The following is an entry in ClinVar:

NM_017547.4(FOXRED1):c.*190T>C

Gene: FOXRED1 (FAD dependent oxidoreductase domain containing 1; plus strand). Cytogenetic location: 11q24.2.
Variant type: single nucleotide variant.
Coding change: c.*190T>C on transcript NM_017547.4 (MANE Select); 190 bases downstream of the stop codon, T replaced by C.
Molecular consequence: 3 prime UTR variant. On other transcripts: non-coding transcript variant (2).
Genome position (GRCh38, 1-based): chr11:126,277,879, T>C. VCF-style: chr11-126277879-T-C. GRCh37 (hg19) VCF-style: chr11-126147774-T-C.
Identifiers: ClinVar variation 303550 (VCV000303550.7), dbSNP rs77902129, ClinGen allele CA6354512.
Genomic context (GRCh38, chr11:126,277,879, plus strand): 5'-AGGCCATTGCACCCATATGGCTGGGCAGGCACAGGCAGTGAGGCCGAGGCCAATAGCGAG[T>C]GATGAGCGGGATCCTAGGACTGATCTGTAGCCCATGCTGATGTCACCCACCAGGGCAATC-3'

ClinVar aggregate classification (germline): Benign/Likely benign. Review status: criteria provided, multiple submitters, no conflicts (2 of 4 stars). 3 submissions from 3 submitters: Benign (1); Likely benign (2). Last evaluated 2018-06-26.

Conditions:
Mitochondrial complex I deficiency, nuclear type 1. Also called: NADH-COENZYME Q REDUCTASE DEFICIENCY; MITOCHONDRIAL NADH DEHYDROGENASE COMPONENT OF COMPLEX I, DEFICIENCY OF. Identifiers: MedGen C6022305, MONDO:0100224, OMIM 252010.

Allele frequency attached by ClinVar (database versions not stated): gnomAD exomes 0.00294 and 0.00475; ExAC 0.00610; gnomAD 0.01742 and 0.01849; 1000 Genomes Project 0.01917; TOPMed 0.01925; 1000 Genomes Project 30x 0.01936.
gnomAD v4.1: 4,386 of 707,762 alleles (0.62%); highest among the groups gnomAD compares: African/African-American, 5.6%; 113 homozygotes.

Submissions (3):

GeneDx
Classification: Benign. Last evaluated: 2018-06-26. Review status: criteria provided, single submitter. Criteria: GeneDx Variant Classification Process June 2021. Collection method: clinical testing. Allele origin: germline. Affected: yes.

Illumina Laboratory Services, Illumina
Classification: Likely benign for Mitochondrial complex I deficiency, nuclear type 1. Last evaluated: 2018-01-12. Review status: criteria provided, single submitter. Criteria: ICSL Variant Classification Criteria 13 December 2019. Collection method: clinical testing. Allele origin: germline.
Comment: This variant was observed in the ICSL laboratory as part of a predisposition screen in an ostensibly healthy population. It had not been previously curated by ICSL or reported in the Human Gene Mutation Database (HGMD: prior to June 1st, 2018), and was therefore a candidate for classification through an automated scoring system. Utilizing variant allele frequency, disease prevalence and penetrance estimates, and inheritance mode, an automated score was calculated to assess if this variant is too frequent to cause the disease. Based on the score and internal cut-off values, a variant classified as likely benign is not then subjected to further curation. The score for this variant resulted in a classification of likely benign for this disease.

Breakthrough Genomics
Classification: Likely benign. Review status: criteria provided, single submitter. Criteria: ACMG Guidelines, 2015. Collection method: not provided. Allele origin: germline. Inheritance: Autosomal recessive inheritance. Affected: yes.